The following is an entry in ClinVar:

NM_152594.3(SPRED1):c.561C>T (p.Tyr187=)

Gene: SPRED1 (sprouty related EVH1 domain containing 1; plus strand). Cytogenetic location: 15q14.
Variant type: single nucleotide variant.
Coding change: c.561C>T on transcript NM_152594.3 (MANE Select); coding-DNA position 561, C replaced by T.
Protein change: p.Tyr187=; no amino-acid change (tyrosine 187 retained).
Molecular consequence: synonymous variant.
Genome position (GRCh38, 1-based): chr15:38,339,874, C>T. VCF-style: chr15-38339874-C-T. GRCh37 (hg19) VCF-style: chr15-38632075-C-T.
Other names: c.561C>T (NM_152594.2).
Identifiers: ClinVar variation 1555841 (VCV001555841.8), dbSNP rs201335683, ClinGen allele CA269292211.

ClinVar aggregate classification (germline): Likely benign. Review status: criteria provided, multiple submitters, no conflicts (2 of 4 stars). 3 submissions from 3 submitters: Likely benign (3). Last evaluated 2025-04-18.

Conditions:
SPRED1-related disorder. Also called: SPRED1-related condition.
Cardiovascular phenotype. Identifiers: MedGen CN230736.
Legius syndrome. Identifiers: Orphanet 137605, MedGen C1969623, MONDO:0012669, OMIM 611431. Disease mechanism: loss of function.

Allele frequency attached by ClinVar (database versions not stated): gnomAD exomes below 0.00001; gnomAD 0.00001; TOPMed 0.00001; 1000 Genomes Project 30x 0.00016; 1000 Genomes Project 0.00020.
gnomAD v4.1: 2 of 1,613,870 alleles (0.00012%); highest among the groups gnomAD compares: East Asian, 0.0022%; no homozygotes.

Submissions (3):

PreventionGenetics, part of Exact Sciences
Classification: Likely benign for SPRED1-related condition. Last evaluated: 2025-04-18. Review status: criteria provided, single submitter. Criteria: ACMG Guidelines, 2015. Collection method: clinical testing. Allele origin: germline.
Comment: This variant is classified as likely benign based on ACMG/AMP sequence variant interpretation guidelines (Richards et al. 2015 PMID: 25741868, with internal and published modifications).

Labcorp Genetics (formerly Invitae), Labcorp
Classification: Likely benign for Legius syndrome. Last evaluated: 2025-01-16. Review status: criteria provided, single submitter. Criteria: Invitae Variant Classification Sherloc (09022015). Collection method: clinical testing. Allele origin: germline.

Ambry Genetics
Classification: Likely benign for Cardiovascular phenotype. Last evaluated: 2025-01-13. Review status: criteria provided, single submitter. Criteria: Ambry Variant Classification Scheme 2023. Collection method: clinical testing. Allele origin: germline.